The following is an entry in ClinVar:

ClinVar aggregate classification (germline): Uncertain significance (1 of 4 stars; one submission).

Conditions:
Neurodevelopmental disorder with spasticity, cataracts, and cerebellar hypoplasia. Also called: NEURODEVELOPMENTAL DISORDER WITH SPASTICITY, CATARACTS, AND CEREBELLAR ATROPHY. Identifiers: MedGen C5543306, MONDO:0859137, OMIM 619286.

Submission:

Juno Genomics, Hangzhou Juno Genomics, Inc
Classification: Uncertain significance for Neurodevelopmental disorder with spasticity, cataracts, and cerebellar hypoplasia. Review status: criteria provided, single submitter. Criteria: ACMG Guidelines, 2015. Collection method: clinical testing. Allele origin: germline.
Comment: Null variant in a gene where loss of function (LOF) is a known mechanism of disease.;Absent from controls (or at extremely low frequency if recessive) in Genome Aggregation Database.

NM_004269.4(MED27):c.760C>T (p.Gln254Ter)

Gene: MED27 (mediator complex subunit 27; minus strand). Cytogenetic location: 9q34.13.
Variant type: single nucleotide variant.
Coding change: c.760C>T on transcript NM_004269.4 (MANE Select); coding-DNA position 760, C replaced by T.
Protein change: p.Gln254Ter; replaces glutamine 254 with a stop codon.
Molecular consequence: nonsense.
Genome position (GRCh38, 1-based): chr9:131,863,104, G>A on the plus strand (C>T on the coding strand, the complement: MED27 is on the minus strand). VCF-style: chr9-131863104-G-A. GRCh37 (hg19) VCF-style: chr9-134738491-G-A.
Other names: c.652C>T, p.Gln218Ter (NM_001253881.2); short protein forms Q254*, Q218*.
Identifiers: ClinVar variation 5007408 (VCV005007408.2).
Genomic context (GRCh38, chr9:131,863,104, plus strand): 5'-GACTCTTGAAGCCACTTACCATGAAGGATCGGACCACGACATCCGGCATCTGGGGCAGCT[G>A]ATAGTGGAGCAGGGCAGTGGTGGCATGGTCTGTCACCTGAGAGTGAAGGACAAAGACGAG-3'